The following is an entry in ClinVar:

NM_001370466.1(NOD2):c.2885+64A>T

Gene: NOD2 (nucleotide binding oligomerization domain containing 2; plus strand). Cytogenetic location: 16q12.1.
Variant type: single nucleotide variant.
Coding change: c.2885+64A>T on transcript NM_001370466.1 (MANE Select); 64 bases into the intron after coding-DNA position 2885, A replaced by T.
Molecular consequence: intron variant.
Genome position (GRCh38, 1-based): chr16:50,725,636, A>T. VCF-style: chr16-50725636-A-T. GRCh37 (hg19) VCF-style: chr16-50759547-A-T.
Other names: c.2966+64A>T (NM_022162.3); c.2885+64A>T (NM_001293557.2).
Identifiers: ClinVar variation 2628170 (VCV002628170.2), dbSNP rs1077861, ClinGen allele CA14246357.
Genomic context (GRCh38, chr16:50,725,636, plus strand): 5'-AGGAACCCATAAGCAGGAAACAGGACAATAATTGCTGGCCTTTGGAAGGGGCATTTCTGA[A>T]TAAGATCTGGGCCGCTCTCCGCTGGGCTAACTCATGTGAGGTGGCCTGGTAGAACAGCTT-3'

ClinVar aggregate classification (germline): Benign (1 of 4 stars; one submission).

Allele frequency attached by ClinVar (database versions not stated): 1000 Genomes Project 0.33486; 1000 Genomes Project 30x 0.33729; TOPMed 0.49235; gnomAD 0.50621.
gnomAD v4.1: 766,204 of 1,297,068 alleles (59%); highest among the groups gnomAD compares: Non-Finnish European, 66%; 240,148 homozygotes.

Submission:

Unidad de Genómica Garrahan, Hospital de Pediatría Garrahan
Classification: Benign. Last evaluated: 2023-11-12. Review status: criteria provided, single submitter. Criteria: ACMG Guidelines, 2015. Collection method: clinical testing. Allele origin: germline. Affected: no. Observed: 49 variant alleles.
Comment: This variant is classified as Benign based on local population frequency. This variant was detected in 51% of patients studied by a panel of primary immunodeficiencies. Number of patients: 49. Only high quality variants are reported.